The following is an entry in ClinVar:

NM_030662.4(MAP2K2):c.274A>G (p.Arg92Gly)

Gene: MAP2K2 (mitogen-activated protein kinase kinase 2; minus strand). Cytogenetic location: 19p13.3.
Variant type: single nucleotide variant.
Coding change: c.274A>G on transcript NM_030662.4 (MANE Select); coding-DNA position 274, A replaced by G.
Protein change: p.Arg92Gly; replaces arginine 92 with glycine.
Molecular consequence: missense variant.
Genome position (GRCh38, 1-based): chr19:4,117,448, T>C on the plus strand (A>G on the coding strand, the complement: MAP2K2 is on the minus strand). VCF-style: chr19-4117448-T-C. GRCh37 (hg19) VCF-style: chr19-4117446-T-C.
Other names: short protein forms R92G.
Identifiers: ClinVar variation 40772 (VCV000040772.39), dbSNP rs759061964, ClinGen allele CA9091063.
Genomic context (GRCh38, chr19:4,117,448, plus strand): 5'-TCCCCGACCTCCCCGACCCCGCAGTGCTCACCTTCCTGGCCATGATGAGGCCCGAGGGTC[T>C]GTGCTGGACTTTGGTGACCACCCCGCCGTTGCCCGCGCCCAGCTCTGAGATCCTTTCGAA-3'
Protein context (NP_109587.1, residues 82-102): NGGVVTKVQH[Arg92Gly]PSGLIMARKL

ClinVar aggregate classification (germline): Conflicting classifications of pathogenicity. Review status: criteria provided, conflicting classifications (1 of 4 stars). 7 submissions from 7 submitters: Uncertain significance (3); Likely benign (3). 1 of the submissions does not count toward it. Last evaluated 2026-09-01.

Conditions:
Cardiovascular phenotype. Identifiers: MedGen CN230736.
RASopathy. Also called: rasopathies; Noonan spectrum disorder. Identifiers: Orphanet 536391, MedGen C5555857, MONDO:0021060.
Neurofibromatosis-Noonan syndrome (NFNS). Also called: NEUROFIBROMATOSIS WITH NOONAN PHENOTYPE. Identifiers: Orphanet 638, MedGen C2931482, MONDO:0011035, OMIM 601321. Disease mechanism: loss of function.

Allele frequency attached by ClinVar (database versions not stated): gnomAD 0.00005 and 0.00004; ExAC 0.00002; TOPMed 0.00003; gnomAD exomes 0.00005.
gnomAD v4.1: 42 of 1,613,872 alleles (0.0026%); highest among the groups gnomAD compares: Admixed American, 0.023%; no homozygotes.

Submissions (7):

CeGaT Center for Human Genetics Tuebingen
Classification: Likely benign. Last evaluated: 2026-09-01. Review status: criteria provided, single submitter. Criteria: CeGaT Center For Human Genetics Tuebingen Variant Classification Criteria Version 2. Collection method: clinical testing. Allele origin: germline. Affected: yes. Observed: 3 variant alleles.
Comment: MAP2K2: BS2

Labcorp Genetics (formerly Invitae), Labcorp
Classification: Uncertain significance for RASopathy. Last evaluated: 2025-12-25. Review status: criteria provided, single submitter. Criteria: Invitae Variant Classification Sherloc (09022015). Collection method: clinical testing. Allele origin: germline.
Comment: This sequence change replaces arginine, which is basic and polar, with glycine, which is neutral and non-polar, at codon 92 of the MAP2K2 protein (p.Arg92Gly). This variant is present in population databases (rs759061964, gnomAD 0.02%). This variant has not been reported in the literature in individuals affected with MAP2K2-related conditions. ClinVar contains an entry for this variant (Variation ID: 40772). Invitae Evidence Modeling incorporating data from in vitro experimental studies (internal data) indicates that this missense variant is not expected to disrupt MAP2K2 function with a negative predictive value of 95%. In summary, the available evidence is currently insufficient to determine the role of this variant in disease. Therefore, it has been classified as a Variant of Uncertain Significance.

Blueprint Genetics
Classification: Likely benign. Last evaluated: 2023-07-10. Review status: criteria provided, single submitter. Criteria: ACMG Guidelines, 2015. Collection method: clinical testing. Allele origin: germline.

GeneDx
Classification: Uncertain significance. Last evaluated: 2023-03-13. Review status: criteria provided, single submitter. Criteria: GeneDx Variant Classification Process June 2021. Collection method: clinical testing. Allele origin: germline. Affected: yes.
Comment: In silico analysis supports that this missense variant has a deleterious effect on protein structure/function; Missense variants in this gene are often considered pathogenic (HGMD); Has not been previously published as pathogenic or benign to our knowledge

Ambry Genetics
Classification: Uncertain significance for Cardiovascular phenotype. Last evaluated: 2022-12-31. Review status: criteria provided, single submitter. Criteria: Ambry Variant Classification Scheme 2023. Collection method: clinical testing. Allele origin: germline.
Comment: The p.R92G variant (also known as c.274A>G), located in coding exon 2 of the MAP2K2 gene, results from an A to G substitution at nucleotide position 274. The arginine at codon 92 is replaced by glycine, an amino acid with dissimilar properties. This amino acid position is conserved. In addition, the in silico prediction for this alteration is inconclusive. Since supporting evidence is limited at this time, the clinical significance of this alteration remains unclear.

Women's Health and Genetics/Laboratory Corporation of America, LabCorp
Classification: Likely benign. Last evaluated: 2017-12-30. Review status: criteria provided, single submitter. Criteria: LabCorp Variant Classification Summary - May 2015. Collection method: clinical testing. Allele origin: germline.
Comment: Variant summary: The c.274A>G (p.arg92Gly) in MAP2K2 gene is a missense change that involves the alteration of a mildly conserved nucleotide within the active site of a catalytic domain of MEK2 kinase. Although 2/4 in silico tools used predict deleterious outcome, the change seems to be tolerated based on the conservation data. The variant was observed in the large and broad cohorts of the gnomAD project at an allele frequency of 0.00005 (14/276988 chrs tested). This frequency exceeds the maximal expected allele frequency for a pathogenic variant in this gene (0.0000025). The variant has not, to our knowledge, been reported in affected individuals via published reports, but is cited as VUS by at least one reputable database/diagnostic center. Taking together, based on the prevalence in general population, but lack of functionals studies confirming no effect on protein function, the variant was classified as Likely Benign.

Service de Génétique Moléculaire, Hôpital Robert Debré
Classification: Likely benign for Neurofibromatosis-Noonan syndrome. Review status: no assertion criteria provided. Collection method: clinical testing. Allele origin: paternal. Affected: yes. Not counted in ClinVar's aggregate classification.